The following is an entry in ClinVar:

ClinVar aggregate classification (germline): Benign/Likely benign. Review status: criteria provided, multiple submitters, no conflicts (2 of 4 stars). 14 submissions from 14 submitters: Benign (6); Likely benign (5). 3 of the submissions do not count toward it. Last evaluated 2026-04-01.

Conditions:
POLE-related disorder. Also called: POLE-related disorders; POLE-related condition.
Intrauterine growth retardation, metaphyseal dysplasia, adrenal hypoplasia congenita, genital anomalies, and immunodeficiency. Also called: IMAGEI SYNDROME. Identifiers: MedGen C5193036, MONDO:0032684, OMIM 618336.
Facial dysmorphism-immunodeficiency-livedo-short stature syndrome. Also called: Facial dysmorphism, immunodeficiency, livedo, and short stature; FILS syndrome. Identifiers: Orphanet 352712, MedGen C3554576, MONDO:0014058, OMIM 615139.
Colorectal cancer, susceptibility to, 12 (CRCS12). Also called: COLORECTAL CANCER, SUSCEPTIBILITY TO, ON CHROMOSOME 12q24. Identifiers: Orphanet 220460, MedGen C3554460, MONDO:0014038, OMIM 615083.
Hereditary cancer-predisposing syndrome. Also called: Neoplastic Syndromes, Hereditary; Hereditary Cancer Syndrome; Tumor predisposition; Hereditary neoplastic syndrome. Identifiers: Orphanet 140162, MedGen C0027672, MeSH D009386, MONDO:0015356.
Carcinoma of colon (CRC). Also called: Colonic carcinoma; Colon carcinoma. Identifiers: MedGen C0699790, MONDO:0002032.

Allele frequency attached by ClinVar (database versions not stated): gnomAD exomes 0.00028 and 0.00075; ExAC 0.00105; 1000 Genomes Project 0.00260; gnomAD 0.00320 and 0.00342; 1000 Genomes Project 30x 0.00328; ESP Exome Variant Server 0.00354; TOPMed 0.00359.
gnomAD v4.1: 898 of 1,610,342 alleles (0.056%); highest among the groups gnomAD compares: African/African-American, 1.1%; 6 homozygotes.

Submissions (14):

CeGaT Center for Human Genetics Tuebingen
Classification: Likely benign. Last evaluated: 2026-04-01. Review status: criteria provided, single submitter. Criteria: CeGaT Center For Human Genetics Tuebingen Variant Classification Criteria Version 2. Collection method: clinical testing. Allele origin: germline. Affected: yes. Observed: 4 variant alleles.
Comment: POLE: BS1

Labcorp Genetics (formerly Invitae), Labcorp
Classification: Benign. Last evaluated: 2026-02-04. Review status: criteria provided, single submitter. Criteria: Invitae Variant Classification Sherloc (09022015). Collection method: clinical testing. Allele origin: germline.

ARUP Laboratories, Molecular Genetics and Genomics, ARUP Laboratories
Classification: Benign. Last evaluated: 2024-12-26. Review status: criteria provided, single submitter. Criteria: ARUP Molecular Germline Variant Investigation Process 2024. Collection method: clinical testing. Allele origin: germline.

Blueprint Genetics
Classification: Likely benign. Last evaluated: 2024-10-02. Review status: criteria provided, single submitter. Criteria: ACMG Guidelines, 2015. Collection method: clinical testing. Allele origin: germline.

KCCC/NGS Laboratory, Kuwait Cancer Control Center
Classification: Benign for Colorectal cancer, susceptibility to, 12. Last evaluated: 2023-07-07. Review status: criteria provided, single submitter. Criteria: ACMG Guidelines, 2015. Collection method: clinical testing. Allele origin: germline. Affected: yes.

Fulgent Genetics
Classification: Likely benign for Colorectal cancer, susceptibility to, 12; Facial dysmorphism-immunodeficiency-livedo-short stature syndrome; Intrauterine growth retardation, metaphyseal dysplasia, adrenal hypoplasia congenita, genital anomalies, and immunodeficiency. Last evaluated: 2022-05-18. Review status: criteria provided, single submitter. Criteria: ACMG Guidelines, 2015. Collection method: clinical testing. Allele origin: unknown.

Women's Health and Genetics/Laboratory Corporation of America, LabCorp
Classification: Benign. Last evaluated: 2018-07-10. Review status: criteria provided, single submitter. Criteria: LabCorp Variant Classification Summary - May 2015. Collection method: clinical testing. Allele origin: germline.
Comment: Variant summary: POLE c.2468+10C>T alters a non-conserved nucleotide located close to a canonical splice site and therefore could affect mRNA splicing, leading to a significantly altered protein sequence. 5/5 computational tools predict no significant impact on normal splicing. However, these predictions have yet to be confirmed by functional studies. The variant was observed with an allele frequency of 0.001 in 276194 control chromosomes (gnomAD), predominantly in the African cohort with an allele frequency of 0.012. The observed variant frequency within African control individuals in the gnomAD database is approximately 774-folds higher than the estimated maximal expected allele frequency for a pathogenic variant in POLE causing Colorectal Cancer phenotype (1.4e-05), strongly suggesting that the variant is a benign polymorphism found primarily in populations of African origin. To our knowledge, no occurrence of c.2468+10C>T in individuals affected with Colorectal Cancer and no experimental evidence demonstrating its impact on protein function have been reported. Four ClinVar submissions from clinical diagnostic laboratories (evaluation after 2014) cite the variant as "likely benign/benign." Based on the evidence outlined above, the variant was classified as benign.

Genetic Services Laboratory, University of Chicago
Classification: Benign. Last evaluated: 2017-11-08. Review status: criteria provided, single submitter. Criteria: ACMG Guidelines, 2015. Collection method: clinical testing. Allele origin: germline. Affected: no.

GeneDx
Classification: Likely benign. Last evaluated: 2017-06-29. Review status: criteria provided, single submitter. Criteria: GeneDx Variant Classification (06012015). Collection method: clinical testing. Allele origin: germline. Affected: yes.
Comment: This variant is considered likely benign or benign based on one or more of the following criteria: it is a conservative change, it occurs at a poorly conserved position in the protein, it is predicted to be benign by multiple in silico algorithms, and/or has population frequency not consistent with disease.

Quest Diagnostics Nichols Institute San Juan Capistrano
Classification: Benign. Last evaluated: 2017-04-27. Review status: criteria provided, single submitter. Criteria: Quest Diagnostics criteria. Collection method: clinical testing. Allele origin: unknown.

Ambry Genetics
Classification: Likely benign for Hereditary cancer-predisposing syndrome. Last evaluated: 2015-10-16. Review status: criteria provided, single submitter. Criteria: Ambry Variant Classification Scheme 2023. Collection method: clinical testing. Allele origin: germline.

PreventionGenetics, part of Exact Sciences
Classification: Benign for POLE-related condition. Last evaluated: 2019-09-04. Review status: no assertion criteria provided. Collection method: clinical testing. Allele origin: germline. Not counted in ClinVar's aggregate classification.
Comment: This variant is classified as benign based on ACMG/AMP sequence variant interpretation guidelines (Richards et al. 2015 PMID: 25741868, with internal and published modifications).

Counsyl
Classification: Likely benign for Colorectal cancer, susceptibility to, 12. Last evaluated: 2016-10-04. Review status: no assertion criteria provided. Collection method: clinical testing. Allele origin: unknown. Not counted in ClinVar's aggregate classification.

Department of Pathology and Laboratory Medicine, Sinai Health System
Classification: Likely benign for Carcinoma of colon. Review status: no assertion criteria provided. Collection method: clinical testing. Allele origin: unknown. Affected: yes. Study: The Canadian Open Genetics Repository (COGR). Not counted in ClinVar's aggregate classification.
Comment: The POLE c.2468+10C>T variant was not identified in the literature. The variant was identified in dbSNP (ID: rs5744823) as "With other allele ", and in ClinVar database (classified as benign by Invitae and one clinical laboratory; as likely benign by Counsyl, GeneDx, and Prevention Genetics). The variant was identified in control databases in 284 of 276194 chromosomes at a frequency of 0.001 increasing the likelihood this could be a low frequency benign variant (Genome Aggregation Database Feb 27, 2017). The variant was observed in the following populations: African in 263 of 24008 chromosomes (freq: 0.01), Other in 2 of 6436 chromosomes (freq: 0.0003), Latino in 19 of 34346 chromosomes (freq: 0.0006), while the variant was not observed in the European, Ashkenazi Jewish, East Asian, Finnish, and South Asian populations. The variant occurs outside of the splicing consensus sequence and in silico or computational prediction software programs (SpliceSiteFinder, MaxEntScan, NNSPLICE, GeneSplicer) do not predict a difference in splicing. In summary, based on the above information the clinical significance of this variant cannot be determined with certainty at this time although we would lean towards a more benign role for this variant. This variant is classified as likely benign.

NM_006231.4(POLE):c.2468+10C>T

Gene: POLE (DNA polymerase epsilon, catalytic subunit; minus strand). Cytogenetic location: 12q24.33.
Variant type: single nucleotide variant.
Coding change: c.2468+10C>T on transcript NM_006231.4 (MANE Select); 10 bases into the intron after coding-DNA position 2468, C replaced by T.
Molecular consequence: intron variant.
Genome position (GRCh38, 1-based): chr12:132,665,292, G>A on the plus strand (C>T on the coding strand, the complement: POLE is on the minus strand). VCF-style: chr12-132665292-G-A. GRCh37 (hg19) VCF-style: chr12-133241878-G-A.
Identifiers: ClinVar variation 221103 (VCV000221103.80), dbSNP rs5744823, ClinGen allele CA350503.